The following is an entry in ClinVar:

ClinVar aggregate classification (germline): Uncertain significance (1 of 4 stars; one submission).

Allele frequency attached by ClinVar (database versions not stated): gnomAD exomes below 0.00001.
gnomAD v4.1: 4 of 1,613,920 alleles (0.00025%); highest among the groups gnomAD compares: Middle Eastern, 0.016%; no homozygotes.

Submission:

Labcorp Genetics (formerly Invitae), Labcorp
Classification: Uncertain significance. Last evaluated: 2023-11-06. Review status: criteria provided, single submitter. Criteria: Invitae Variant Classification Sherloc (09022015). Collection method: clinical testing. Allele origin: germline.
Comment: This sequence change replaces glutamic acid, which is acidic and polar, with lysine, which is basic and polar, at codon 1169 of the MYH3 protein (p.Glu1169Lys). This variant is not present in population databases (gnomAD no frequency). This variant has not been reported in the literature in individuals affected with MYH3-related conditions. Advanced modeling of protein sequence and biophysical properties (such as structural, functional, and spatial information, amino acid conservation, physicochemical variation, residue mobility, and thermodynamic stability) performed at Invitae indicates that this missense variant is not expected to disrupt MYH3 protein function with a negative predictive value of 95%. In summary, the available evidence is currently insufficient to determine the role of this variant in disease. Therefore, it has been classified as a Variant of Uncertain Significance.

NM_002470.4(MYH3):c.3505G>A (p.Glu1169Lys)

Gene: MYH3 (myosin heavy chain 3; minus strand). Cytogenetic location: 17p13.1.
Variant type: single nucleotide variant.
Coding change: c.3505G>A on transcript NM_002470.4 (MANE Select); coding-DNA position 3505, G replaced by A.
Protein change: p.Glu1169Lys; replaces glutamic acid 1169 with lysine.
Molecular consequence: missense variant.
Genome position (GRCh38, 1-based): chr17:10,638,267, C>T on the plus strand (G>A on the coding strand, the complement: MYH3 is on the minus strand). VCF-style: chr17-10638267-C-T. GRCh37 (hg19) VCF-style: chr17-10541584-C-T.
Other names: short protein forms E1169K.
Identifiers: ClinVar variation 2750271 (VCV002750271.3), dbSNP rs2074235201, ClinGen allele CA398151672.